The following is an entry in ClinVar:

NM_000122.2(ERCC3):c.229del (p.Trp77fs)

Gene: ERCC3 (ERCC excision repair 3, TFIIH core complex helicase subunit; minus strand). Cytogenetic location: 2q14.3.
Variant type: Deletion.
Coding change: c.229del on transcript NM_000122.2 (MANE Select); coding-DNA position 229, one base deleted (T; older notation c.229delT).
Protein change: p.Trp77fs; shifts the reading frame from tryptophan 77.
Molecular consequence: frameshift variant.
Genome position (GRCh38, 1-based): chr2:127,293,518, A deleted on the plus strand (T on the coding strand, the reverse complement: ERCC3 is on the minus strand). VCF-style (leftmost placement, unchanged base first): chr2-127293517-CA-C. GRCh37 (hg19) VCF-style: chr2-128051093-CA-C.
Other names: c.37del, p.Trp13fs (NM_001303416.2, NM_001303418.2); short protein forms W77fs, W13fs.
Identifiers: ClinVar variation 2696647 (VCV002696647.3), dbSNP rs2468070622, ClinGen allele CA2697551018.

ClinVar aggregate classification (germline): Pathogenic (1 of 4 stars; one submission).

Submission:

Labcorp Genetics (formerly Invitae), Labcorp
Classification: Pathogenic. Last evaluated: 2023-11-17. Review status: criteria provided, single submitter. Criteria: Invitae Variant Classification Sherloc (09022015). Collection method: clinical testing. Allele origin: germline.
Comment: This sequence change creates a premature translational stop signal (p.Trp77Glyfs*42) in the ERCC3 gene. It is expected to result in an absent or disrupted protein product. Loss-of-function variants in ERCC3 are known to be pathogenic (PMID: 16947863). This variant is not present in population databases (gnomAD no frequency). This variant has not been reported in the literature in individuals affected with ERCC3-related conditions. For these reasons, this variant has been classified as Pathogenic.

Literature cited by the submitters: PubMed 16947863.